The following is an entry in ClinVar:

ClinVar aggregate classification (germline): Uncertain significance (1 of 4 stars; one submission).

Conditions:
Familial Mediterranean fever (FMF). Also called: POLYSEROSITIS, FAMILIAL PAROXYSMAL; POLYSEROSITIS, RECURRENT; Periodic peritonitis; Benign paroxysmal peritonitis. Identifiers: Orphanet 342, MedGen C0031069, MONDO:0018088, OMIM 249100. Disease mechanism: gain of function.

Submission:

Labcorp Genetics (formerly Invitae), Labcorp
Classification: Uncertain significance for Familial Mediterranean fever. Last evaluated: 2022-08-22. Review status: criteria provided, single submitter. Criteria: Invitae Variant Classification Sherloc (09022015). Collection method: clinical testing. Allele origin: germline.
Comment: In summary, the available evidence is currently insufficient to determine the role of this variant in disease. Therefore, it has been classified as a Variant of Uncertain Significance. This variant disrupts the p.Val726 amino acid residue in MEFV. Other variant(s) that disrupt this residue have been determined to be pathogenic (PMID: 9288758, 10879615, 11977178, 21600797; Invitae). This suggests that this residue is clinically significant, and that variants that disrupt this residue are likely to be disease-causing. Algorithms developed to predict the effect of missense changes on protein structure and function output the following: SIFT: "Tolerated"; PolyPhen-2: "Benign"; Align-GVGD: "Class C0". The glycine amino acid residue is found in multiple mammalian species, which suggests that this missense change does not adversely affect protein function. This variant has not been reported in the literature in individuals affected with MEFV-related conditions. This variant is not present in population databases (gnomAD no frequency). This sequence change replaces valine, which is neutral and non-polar, with glycine, which is neutral and non-polar, at codon 726 of the MEFV protein (p.Val726Gly).

Literature cited by the submitters: PubMed 9288758; PubMed 10879615; PubMed 11977178; PubMed 21600797.

NM_000243.3(MEFV):c.2177T>G (p.Val726Gly)

Gene: MEFV (MEFV innate immunity regulator, pyrin; minus strand). Cytogenetic location: 16p13.3.
Variant type: single nucleotide variant.
Coding change: c.2177T>G on transcript NM_000243.3 (MANE Select); coding-DNA position 2177, T replaced by G.
Protein change: p.Val726Gly; replaces valine 726 with glycine.
Molecular consequence: missense variant. On other transcripts: 3 prime UTR variant (1).
Genome position (GRCh38, 1-based): chr16:3,243,310, A>C on the plus strand (T>G on the coding strand, the complement: MEFV is on the minus strand). VCF-style: chr16-3243310-A-C. GRCh37 (hg19) VCF-style: chr16-3293310-A-C.
Other names: c.*381T>G (NM_001198536.2); short protein forms V726G.
Identifiers: ClinVar variation 2011491 (VCV002011491.4), dbSNP rs28940579, ClinGen allele CA394485521.
Genomic context (GRCh38, chr16:3,243,310, plus strand): 5'-CAGCTGGCGAATGTATAGATGTGGGATCTGGCTGTCACATTGTAAAAGGAGATGCTTCCA[A>C]CTCTGTAGTCCACGAAGATGCCCACACGCTTGGGAGGCTCCTTTATTAGCAGGCGGGTCG-3'
Protein context (NP_000234.1, residues 716-736): KRVGIFVDYR[Val726Gly]GSISFYNVTA